The following is an entry in ClinVar:

NM_032437.4(EFCAB7):c.917_920del (p.Ile306fs)

Gene: EFCAB7 (EF-hand calcium binding domain 7; plus strand). Cytogenetic location: 1p31.3.
Variant type: Deletion.
Coding change: c.917_920del on transcript NM_032437.4 (MANE Select); coding-DNA positions 917 to 920, 4 bases deleted (TTAA; older notation c.917_920delTTAA).
Protein change: p.Ile306fs; shifts the reading frame from isoleucine 306.
Molecular consequence: frameshift variant.
Genome position (GRCh38, 1-based): chr1:63,546,028-63,546,031, TTAA deleted; deleting any 4 consecutive bases within chr1:63,546,026-63,546,031 gives the same sequence; the c. name uses the placement nearest the transcript's 3' end. VCF-style (leftmost placement, unchanged base first): chr1-63546025-CAATT-C. GRCh37 (hg19) VCF-style: chr1-64011696-CAATT-C.
Other names: short protein forms I306fs.
Identifiers: ClinVar variation 3765798 (VCV003765798.1).

ClinVar aggregate classification (germline): Uncertain significance (1 of 4 stars; one submission).

Submission:

Greenwood Genetic Center Diagnostic Laboratories, Greenwood Genetic Center
Classification: Uncertain significance. Last evaluated: 2024-12-02. Review status: criteria provided, single submitter. Criteria: ACMG Guidelines, 2015. Collection method: clinical testing. Allele origin: germline. Affected: yes.
Comment: Gene of Uncertain Significance